The following is an entry in ClinVar:

NM_024706.5(ZNF668):c.1590G>C (p.Leu530=)

Gene: ZNF668 (zinc finger protein 668; minus strand). Cytogenetic location: 16p11.2.
Variant type: single nucleotide variant.
Coding change: c.1590G>C on transcript NM_024706.5 (MANE Select); coding-DNA position 1590, G replaced by C.
Protein change: p.Leu530=; no amino-acid change (leucine 530 retained).
Molecular consequence: synonymous variant.
Genome position (GRCh38, 1-based): chr16:31,061,338, C>G on the plus strand (G>C on the coding strand, the complement: ZNF668 is on the minus strand). VCF-style: chr16-31061338-C-G. GRCh37 (hg19) VCF-style: chr16-31072659-C-G.
Other names: c.1590G>C, p.Leu530= (NM_001172668.2, NM_001172670.2); c.1659G>C, p.Leu553= (NM_001172669.2).
Identifiers: ClinVar variation 3033694 (VCV003033694.6), dbSNP rs140466221, ClinGen allele CA8018972.

ClinVar aggregate classification (germline): Likely benign. Review status: criteria provided, single submitter (1 of 4 stars). 2 submissions from 2 submitters: Likely benign (1). 1 of the submissions does not count toward it. Last evaluated 2026-02-01.

Conditions:
ZNF668-related disorder. Also called: ZNF668-related condition.

Allele frequency attached by ClinVar (database versions not stated): ExAC 0.00024; ESP Exome Variant Server 0.00062; 1000 Genomes Project 0.00080; TOPMed 0.00080; gnomAD 0.00083; 1000 Genomes Project 30x 0.00094.

Submissions (2):

CeGaT Center for Human Genetics Tuebingen
Classification: Likely benign. Last evaluated: 2026-02-01. Review status: criteria provided, single submitter. Criteria: CeGaT Center For Human Genetics Tuebingen Variant Classification Criteria Version 2. Collection method: clinical testing. Allele origin: germline. Affected: yes. Observed: 1 variant allele.
Comment: ZNF668: BP4, BP7

PreventionGenetics, part of Exact Sciences
Classification: Likely benign for ZNF668-related condition. Last evaluated: 2019-04-04. Review status: no assertion criteria provided. Collection method: clinical testing. Allele origin: germline. Not counted in ClinVar's aggregate classification.
Comment: This variant is classified as likely benign based on ACMG/AMP sequence variant interpretation guidelines (Richards et al. 2015 PMID: 25741868, with internal and published modifications).